The following is an entry in ClinVar:

ClinVar aggregate classification (germline): Likely pathogenic (1 of 4 stars; one submission).

Conditions:
Medium-chain acyl-coenzyme A dehydrogenase deficiency (ACADMD). Also called: CARNITINE DEFICIENCY SECONDARY TO MEDIUM-CHAIN ACYL-CoA DEHYDROGENASE DEFICIENCY; MCADD; Medium chain acyl-CoA dehydrogenase deficiency; MCAD Deficiency; MCADH DEFICIENCY; ACADM DEFICIENCY. Identifiers: Orphanet 42, MedGen C0220710, MONDO:0008721, OMIM 201450.

Submission:

Labcorp Genetics (formerly Invitae), Labcorp
Classification: Likely pathogenic for Medium-chain acyl-coenzyme A dehydrogenase deficiency. Last evaluated: 2022-12-31. Review status: criteria provided, single submitter. Criteria: Invitae Variant Classification Sherloc (09022015). Collection method: clinical testing. Allele origin: germline.
Comment: In summary, the currently available evidence indicates that the variant is pathogenic, but additional data are needed to prove that conclusively. Therefore, this variant has been classified as Likely Pathogenic. Advanced modeling of protein sequence and biophysical properties (such as structural, functional, and spatial information, amino acid conservation, physicochemical variation, residue mobility, and thermodynamic stability) performed at Invitae indicates that this missense variant is expected to disrupt ACADM protein function. This missense change has been observed in individual(s) with medium-chain acyl-coenzyme A dehydrogenase deficiency (Invitae). In at least one individual the data is consistent with being in trans (on the opposite chromosome) from a pathogenic variant. This variant is not present in population databases (gnomAD no frequency). This sequence change replaces aspartic acid, which is acidic and polar, with asparagine, which is neutral and polar, at codon 393 of the ACADM protein (p.Asp393Asn).

NM_000016.6(ACADM):c.1177G>A (p.Asp393Asn)

Gene: ACADM (acyl-CoA dehydrogenase medium chain; plus strand). Cytogenetic location: 1p31.1.
Variant type: single nucleotide variant.
Coding change: c.1177G>A on transcript NM_000016.6 (MANE Select); coding-DNA position 1177, G replaced by A.
Protein change: p.Asp393Asn; replaces aspartic acid 393 with asparagine.
Molecular consequence: missense variant.
Genome position (GRCh38, 1-based): chr1:75,761,353, G>A. VCF-style: chr1-75761353-G-A. GRCh37 (hg19) VCF-style: chr1-76227038-G-A.
Other names: c.1189G>A, p.Asp397Asn (NM_001127328.3); c.1069G>A, p.Asp357Asn (NM_001286042.2); c.1276G>A, p.Asp426Asn (NM_001286043.2); c.610G>A, p.Asp204Asn (NM_001286044.2); short protein forms D426N, D397N, D357N, D393N, D204N.
Identifiers: ClinVar variation 2825272 (VCV002825272.3), dbSNP rs2525699762, ClinGen allele CA340818330.